The following is an entry in ClinVar:

NM_000532.5(PCCB):c.138G>C (p.Ala46=)

Gene: PCCB (propionyl-CoA carboxylase subunit beta; plus strand). Cytogenetic location: 3q22.3.
Variant type: single nucleotide variant.
Coding change: c.138G>C on transcript NM_000532.5 (MANE Select); coding-DNA position 138, G replaced by C.
Protein change: p.Ala46=; no amino-acid change (alanine 46 retained).
Molecular consequence: synonymous variant.
Genome position (GRCh38, 1-based): chr3:136,250,513, G>C. VCF-style: chr3-136250513-G-C. GRCh37 (hg19) VCF-style: chr3-135969355-G-C.
Other names: p.Ala46=; c.138G>C, p.Ala46= (NM_001178014.2).
Identifiers: ClinVar variation 702822 (VCV000702822.19), dbSNP rs145075817, ClinGen allele CA2631580.

ClinVar aggregate classification (germline): Benign/Likely benign. Review status: criteria provided, multiple submitters, no conflicts (2 of 4 stars). 7 submissions from 7 submitters: Benign (1); Likely benign (5). 1 of the submissions does not count toward it. Last evaluated 2026-07-01.

Conditions:
Propionic acidemia (PROP). Also called: GLYCINEMIA, KETOTIC; HYPERGLYCINEMIA WITH KETOACIDOSIS AND LEUKOPENIA; KETOTIC HYPERGLYCINEMIA. Identifiers: Orphanet 35, MedGen C0268579, MONDO:0011628, OMIM 606054, HP:0003571.

Allele frequency attached by ClinVar (database versions not stated): ESP Exome Variant Server 0.00077; 1000 Genomes Project 30x 0.00094; 1000 Genomes Project 0.00120; gnomAD 0.00121 and 0.00126; TOPMed 0.00125.
gnomAD v4.1: 345 of 1,612,952 alleles (0.021%); highest among the groups gnomAD compares: African/African-American, 0.4%; 2 homozygotes.

Submissions (7):

CeGaT Center for Human Genetics Tuebingen
Classification: Likely benign. Last evaluated: 2026-07-01. Review status: criteria provided, single submitter. Criteria: CeGaT Center For Human Genetics Tuebingen Variant Classification Criteria Version 2. Collection method: clinical testing. Allele origin: germline. Affected: yes. Observed: 1 variant allele.
Comment: PCCB: BP4, BP7

Labcorp Genetics (formerly Invitae), Labcorp
Classification: Benign for Propionic acidemia. Last evaluated: 2026-02-03. Review status: criteria provided, single submitter. Criteria: Invitae Variant Classification Sherloc (09022015). Collection method: clinical testing. Allele origin: germline.

Mayo Clinic Laboratories, Mayo Clinic
Classification: Likely benign. Last evaluated: 2025-07-16. Review status: criteria provided, single submitter. Criteria: ACMG Guidelines, 2015. Collection method: clinical testing. Allele origin: germline. Observed: 1 variant allele.
Comment: BP4, BP7

Blueprint Genetics
Classification: Likely benign. Last evaluated: 2024-10-14. Review status: criteria provided, single submitter. Criteria: ACMG Guidelines, 2015. Collection method: clinical testing. Allele origin: germline.

Women's Health and Genetics/Laboratory Corporation of America, LabCorp
Classification: Likely benign. Last evaluated: 2021-12-10. Review status: criteria provided, single submitter. Criteria: LabCorp Variant Classification Summary - May 2015. Collection method: clinical testing. Allele origin: germline.

GeneDx
Classification: Likely benign. Last evaluated: 2021-03-23. Review status: criteria provided, single submitter. Criteria: GeneDx Variant Classification Process June 2021. Collection method: clinical testing. Allele origin: germline. Affected: yes.

Natera, Inc.
Classification: Likely benign for Propionic acidemia. Last evaluated: 2020-06-05. Review status: no assertion criteria provided. Collection method: clinical testing. Allele origin: germline. Not counted in ClinVar's aggregate classification.